The following is an entry in ClinVar:

NC_012920.1(MT-RNR1):m.1118A>G

Gene: MT-RNR1 (mitochondrially encoded 12S RNA; plus strand).
Variant type: single nucleotide variant.
Genome position: chrM-1118-A-G.
Identifiers: ClinVar variation 1806837 (VCV001806837.2), dbSNP rs1603218525, ClinGen allele CA913161314.

ClinVar aggregate classification (germline): Uncertain significance (1 of 4 stars; one submission).

Submission:

Athena Diagnostics
Classification: Uncertain significance. Last evaluated: 2023-01-27. Review status: criteria provided, single submitter. Criteria: Athena Diagnostics Criteria. Collection method: clinical testing. Allele origin: unknown.
Comment: Available data are insufficient to determine the clinical significance of the variant at this time. The frequency of this variant in the general population is uninformative in assessment of its pathogenicity. RNA splicing is not expected during the normal processing of this gene, therefore computational splicing tools were not utilized to evaluate this variant.